The following is an entry in ClinVar:

NM_203447.4(DOCK8):c.1865A>G (p.Asn622Ser)

Gene: DOCK8 (dedicator of cytokinesis 8; plus strand). Cytogenetic location: 9p24.3.
Variant type: single nucleotide variant.
Coding change: c.1865A>G on transcript NM_203447.4 (MANE Select); coding-DNA position 1865, A replaced by G.
Protein change: p.Asn622Ser; replaces asparagine 622 with serine.
Molecular consequence: missense variant.
Genome position (GRCh38, 1-based): chr9:370,297, A>G. VCF-style: chr9-370297-A-G. GRCh37 (hg19) VCF-style: chr9-370297-A-G.
Other names: c.1661A>G, p.Asn554Ser (NM_001190458.2, NM_001193536.2); short protein forms N554S, N622S.
Identifiers: ClinVar variation 802452 (VCV000802452.10), dbSNP rs766901544, ClinGen allele CA4957968.

ClinVar aggregate classification (germline): Uncertain significance. Review status: criteria provided, multiple submitters, no conflicts (2 of 4 stars). 2 submissions from 2 submitters: Uncertain significance (2). Last evaluated 2020-11-11.

Conditions:
Combined immunodeficiency due to DOCK8 deficiency (HIES2). Also called: Hyper-IgE recurrent infection syndrome, autosomal recessive; HIES autosomal recessive; HYPER-IgE RECURRENT INFECTION SYNDROME 2, AUTOSOMAL RECESSIVE; DOCK8 Deficiency; HYPER-IgE SYNDROME 2, AUTOSOMAL RECESSIVE, WITH RECURRENT INFECTIONS. Identifiers: Orphanet 217390, MedGen C4722305, MONDO:0009478, OMIM 243700.

Allele frequency attached by ClinVar (database versions not stated): gnomAD exomes 0.00001 and 0.00006; TOPMed 0.00002; ExAC 0.00007.
gnomAD v4.1: 16 of 1,613,840 alleles (0.00099%); highest among the groups gnomAD compares: Admixed American, 0.02%; no homozygotes.

Submissions (2):

Labcorp Genetics (formerly Invitae), Labcorp
Classification: Uncertain significance for Combined immunodeficiency due to DOCK8 deficiency. Last evaluated: 2020-11-11. Review status: criteria provided, single submitter. Criteria: Invitae Variant Classification Sherloc (09022015). Collection method: clinical testing. Allele origin: germline.
Comment: This sequence change replaces asparagine with serine at codon 622 of the DOCK8 protein (p.Asn622Ser). The asparagine residue is highly conserved and there is a small physicochemical difference between asparagine and serine. This variant is present in population databases (rs766901544, ExAC 0.06%). This variant has not been reported in the literature in individuals with DOCK8-related conditions. Algorithms developed to predict the effect of missense changes on protein structure and function (SIFT, PolyPhen-2, Align-GVGD) all suggest that this variant is likely to be disruptive, but these predictions have not been confirmed by published functional studies and their clinical significance is uncertain. Algorithms developed to predict the effect of sequence changes on RNA splicing suggest that this variant may create or strengthen a splice site, but this prediction has not been confirmed by published transcriptional studies. In summary, the available evidence is currently insufficient to determine the role of this variant in disease. Therefore, it has been classified as a Variant of Uncertain Significance.

Mendelics
Classification: Uncertain significance for Combined immunodeficiency due to DOCK8 deficiency. Last evaluated: 2019-05-28. Review status: criteria provided, single submitter. Criteria: Mendelics Assertion Criteria 2017. Collection method: clinical testing. Allele origin: unknown.